The following is an entry in ClinVar:

ClinVar aggregate classification (germline): Uncertain significance. Review status: criteria provided, multiple submitters, no conflicts (2 of 4 stars). 3 submissions from 3 submitters: Uncertain significance (3). Last evaluated 2025-08-23.

Conditions:
Inborn genetic diseases. Identifiers: MedGen C0950123, MeSH D030342.

Allele frequency attached by ClinVar (database versions not stated): ExAC 0.00001; gnomAD exomes 0.00002 and 0.00006; TOPMed 0.00003; gnomAD 0.00005.
gnomAD v4.1: 95 of 1,613,498 alleles (0.0059%); highest among the groups gnomAD compares: Non-Finnish European, 0.0079%; no homozygotes.

Submissions (3):

Ambry Genetics
Classification: Uncertain significance for Inborn genetic diseases. Last evaluated: 2025-08-23. Review status: criteria provided, single submitter. Criteria: Ambry Variant Classification Scheme 2023. Collection method: clinical testing. Allele origin: germline.

Labcorp Genetics (formerly Invitae), Labcorp
Classification: Uncertain significance. Last evaluated: 2025-01-13. Review status: criteria provided, single submitter. Criteria: Invitae Variant Classification Sherloc (09022015). Collection method: clinical testing. Allele origin: germline.
Comment: This sequence change replaces lysine, which is basic and polar, with arginine, which is basic and polar, at codon 93 of the DRAM2 protein (p.Lys93Arg). This variant is present in population databases (rs756751105, gnomAD 0.005%). This variant has not been reported in the literature in individuals affected with DRAM2-related conditions. ClinVar contains an entry for this variant (Variation ID: 1350750). Invitae Evidence Modeling of protein sequence and biophysical properties (such as structural, functional, and spatial information, amino acid conservation, physicochemical variation, residue mobility, and thermodynamic stability) indicates that this missense variant is not expected to disrupt DRAM2 protein function with a negative predictive value of 80%. Algorithms developed to predict the effect of sequence changes on RNA splicing suggest that this variant may disrupt the consensus splice site. In summary, the available evidence is currently insufficient to determine the role of this variant in disease. Therefore, it has been classified as a Variant of Uncertain Significance.

Blueprint Genetics
Classification: Uncertain significance. Last evaluated: 2024-09-11. Review status: criteria provided, single submitter. Criteria: ACMG Guidelines, 2015. Collection method: clinical testing. Allele origin: germline.

NM_001349884.2(DRAM2):c.278A>G (p.Lys93Arg)

Gene: DRAM2 (DNA damage regulated autophagy modulator 2; minus strand). Cytogenetic location: 1p13.3.
Variant type: single nucleotide variant.
Coding change: c.278A>G on transcript NM_001349884.2 (MANE Select); coding-DNA position 278, A replaced by G.
Protein change: p.Lys93Arg; replaces lysine 93 with arginine.
Molecular consequence: missense variant. On other transcripts: 5 prime UTR variant (1), non-coding transcript variant (3), intron variant (7).
Genome position (GRCh38, 1-based): chr1:111,124,803, T>C on the plus strand (A>G on the coding strand, the complement: DRAM2 is on the minus strand). VCF-style: chr1-111124803-T-C. GRCh37 (hg19) VCF-style: chr1-111667425-T-C.
Other names: c.278A>G (NM_178454.4); c.278A>G, p.Lys93Arg (NM_001349881.2, NM_001349882.2, NM_001349885.2 and 1 more transcripts); c.-141A>G (NM_001349891.2); c.-52+1424A>G (NM_001349889.2, NM_001349890.2, NM_001349892.2 and 1 more transcripts); c.41+1424A>G (NM_001349887.2, NM_001349886.2, NM_001349888.2); short protein forms K93R.
Identifiers: ClinVar variation 1350750 (VCV001350750.10), dbSNP rs756751105, ClinGen allele CA1001882.
Genomic context (GRCh38, chr1:111,124,803, plus strand): 5'-TGGAAGTTTGCCACAATAGAAAGTCCTAAACAACTCAGTATTCCAAGTACAAGGCCAGCC[T>C]TGTTTAATTTGATGATAACGTTCTCTTCAGGACTCAGAGCATGAACTTGCTTATAACGAA-3'
Protein context (NP_001336813.1, residues 83-103): PEENVIIKLN[Lys93Arg]AGLVLGILSC